The following is an entry in ClinVar:

NM_032043.3(BRIP1):c.1091T>C (p.Ile364Thr)

Gene: BRIP1 (BRCA1 interacting DNA helicase 1; minus strand). Cytogenetic location: 17q23.2.
Variant type: single nucleotide variant.
Coding change: c.1091T>C on transcript NM_032043.3 (MANE Select); coding-DNA position 1091, T replaced by C.
Protein change: p.Ile364Thr; replaces isoleucine 364 with threonine.
Molecular consequence: missense variant.
Genome position (GRCh38, 1-based): chr17:61,801,302, A>G on the plus strand (T>C on the coding strand, the complement: BRIP1 is on the minus strand). VCF-style: chr17-61801302-A-G. GRCh37 (hg19) VCF-style: chr17-59878663-A-G.
Other names: short protein forms I364T.
Identifiers: ClinVar variation 853585 (VCV000853585.8), dbSNP rs2077987772, ClinGen allele CA400483952.

ClinVar aggregate classification (germline): Uncertain significance. Review status: criteria provided, multiple submitters, no conflicts (2 of 4 stars). 2 submissions from 2 submitters: Uncertain significance (2). Last evaluated 2026-06-23.

Conditions:
Familial cancer of breast. Also called: Hereditary breast cancer; hereditary breast carcinoma; BREAST CANCER, FAMILIAL. Identifiers: Orphanet 227535, MedGen C0346153, MONDO:0016419, OMIM 114480. Disease mechanism: loss of function.
Fanconi anemia complementation group J. Also called: BRIP1-Related Fanconi Anemia. Identifiers: Orphanet 84, MedGen C1836860, MONDO:0012187, OMIM 609054.
Hereditary cancer-predisposing syndrome. Also called: Tumor predisposition; Hereditary neoplastic syndrome; Neoplastic Syndromes, Hereditary; Hereditary Cancer Syndrome. Identifiers: Orphanet 140162, MedGen C0027672, MeSH D009386, MONDO:0015356.

Submissions (2):

Ambry Genetics
Classification: Uncertain significance for Hereditary cancer-predisposing syndrome. Last evaluated: 2026-06-23. Review status: criteria provided, single submitter. Criteria: Ambry Variant Classification Scheme 2023. Collection method: clinical testing. Allele origin: germline.
Comment: The p.I364T variant (also known as c.1091T>C), located in coding exon 7 of the BRIP1 gene, results from a T to C substitution at nucleotide position 1091. The isoleucine at codon 364 is replaced by threonine, an amino acid with similar properties. This amino acid position is highly conserved in available vertebrate species. In addition, this alteration is predicted to be deleterious by in silico analysis. Based on the available evidence, the clinical significance of this variant remains unclear.

Labcorp Genetics (formerly Invitae), Labcorp
Classification: Uncertain significance for Familial cancer of breast; Fanconi anemia complementation group J. Last evaluated: 2025-06-10. Review status: criteria provided, single submitter. Criteria: Invitae Variant Classification Sherloc (09022015). Collection method: clinical testing. Allele origin: germline.
Comment: This sequence change replaces isoleucine, which is neutral and non-polar, with threonine, which is neutral and polar, at codon 364 of the BRIP1 protein (p.Ile364Thr). This variant is not present in population databases (gnomAD no frequency). This variant has not been reported in the literature in individuals affected with BRIP1-related conditions. ClinVar contains an entry for this variant (Variation ID: 853585). Invitae Evidence Modeling of protein sequence and biophysical properties (such as structural, functional, and spatial information, amino acid conservation, physicochemical variation, residue mobility, and thermodynamic stability) has been performed for this missense variant. However, the output from this modeling did not meet the statistical confidence thresholds required to predict the impact of this variant on BRIP1 protein function. In summary, the available evidence is currently insufficient to determine the role of this variant in disease. Therefore, it has been classified as a Variant of Uncertain Significance.